The following is an entry in ClinVar:

ClinVar aggregate classification (germline): Uncertain significance (1 of 4 stars; one submission).

Submission:

Labcorp Genetics (formerly Invitae), Labcorp
Classification: Uncertain significance. Last evaluated: 2022-09-23. Review status: criteria provided, single submitter. Criteria: Invitae Variant Classification Sherloc (09022015). Collection method: clinical testing. Allele origin: germline.
Comment: This variant, c.1033_1035del, results in the deletion of 1 amino acid(s) of the SLC13A3 protein (p.Val345del), but otherwise preserves the integrity of the reading frame. This variant is not present in population databases (gnomAD no frequency). This variant has not been reported in the literature in individuals affected with SLC13A3-related conditions. Experimental studies and prediction algorithms are not available or were not evaluated, and the functional significance of this variant is currently unknown. In summary, the available evidence is currently insufficient to determine the role of this variant in disease. Therefore, it has been classified as a Variant of Uncertain Significance.

NM_022829.6(SLC13A3):c.1033_1035del (p.Val345del)

Gene: SLC13A3 (solute carrier family 13 member 3; minus strand). Cytogenetic location: 20q13.12.
Variant type: Deletion.
Coding change: c.1033_1035del on transcript NM_022829.6 (MANE Select); coding-DNA positions 1033 to 1035, 3 bases deleted (GTT; older notation c.1033_1035delGTT).
Protein change: p.Val345del; deletes valine 345.
Molecular consequence: inframe deletion. On other transcripts: intron variant (1).
Genome position (GRCh38, 1-based): chr20:46,588,145-46,588,147, AAC deleted on the plus strand (GTT on the coding strand, the reverse complement: SLC13A3 is on the minus strand); deleting any 3 consecutive bases within chr20:46,588,145-46,588,148 gives the same sequence; the c. name uses the placement nearest the transcript's 3' end. VCF-style (leftmost placement, unchanged base first): chr20-46588144-AAAC-A. GRCh37 (hg19) VCF-style: chr20-45216783-AAAC-A.
Other names: c.892_894del, p.Val298del (NM_001011554.3); c.883_885del, p.Val295del (NM_001193339.2); c.739_741del, p.Val247del (NM_001193342.2); c.875+1013_875+1015del (NM_001193340.2); short protein forms V247del, V298del, V345del, V295del.
Identifiers: ClinVar variation 2130875 (VCV002130875.4), dbSNP rs2516595849, ClinGen allele CA2580098252.
Genomic context (GRCh38, chr20:46,588,144, plus strand): 5'-CAGGGATGAACTTCGGGTCCCGGGTGAAGAGGAGGATGGCAAACATGCAGAAAAGGATGA[AAAC>A]AGCCTGTTCGGCAAACCTGTGGCACAGACATGCAGGCATGATGGTGACCCCGGGTTTCAG-3'